The following is an entry in ClinVar:

ClinVar aggregate classification (germline): Pathogenic (1 of 4 stars; one submission).

Conditions:
Inborn genetic diseases. Identifiers: MedGen C0950123, MeSH D030342.

Submission:

Ambry Genetics
Classification: Pathogenic for Inborn genetic diseases. Last evaluated: 2026-09-14. Review status: criteria provided, single submitter. Criteria: Ambry Variant Classification Scheme 2023. Collection method: clinical testing. Allele origin: germline.
Comment: The c.3660dupT (p.K1221*) alteration, located in exon 7 (coding exon 7) of the KMT2A gene, consists of a duplication of T at position 3660. This changes the amino acid from a lysine to a stop codon at amino acid position 1221. This variant is expected to result in loss of function by premature protein truncation or nonsense-mediated mRNA decay. This variant was not reported in population-based cohorts in the Genome Aggregation Database (gnomAD). Based on the available evidence, this alteration is classified as pathogenic.

NM_001197104.2(KMT2A):c.3660dup (p.Lys1221Ter)

Gene: KMT2A (lysine methyltransferase 2A; plus strand). Cytogenetic location: 11q23.3.
Variant type: Duplication.
Coding change: c.3660dup on transcript NM_001197104.2 (MANE Select); coding-DNA position 3660, one base duplicated (T; older notation c.3660dupT).
Protein change: p.Lys1221Ter; replaces lysine 1221 with a stop codon.
Molecular consequence: nonsense. On other transcripts: frameshift variant (1).
Genome position (GRCh38, 1-based): chr11:118,481,740, T duplicated. VCF-style (leftmost placement, unchanged base first): chr11-118481739-C-CT. GRCh37 (hg19) VCF-style: chr11-118352454-C-CT.
Other names: c.3660dupT (NM_001197104.1); c.3759dup, p.Lys1254Ter (NM_001412597.1); c.3660dup, p.Lys1221Ter (NM_005933.4); short protein forms K1221*, K1254*.
Identifiers: ClinVar variation 5023368 (VCV005023368.1).
Genomic context (GRCh38, chr11:118,481,739, plus strand): 5'-CTATAGACAGATGATGTTGTTGTGTTTTTCCCTCAGCTGTGAAAAAGAAAGAGAAAAAGT[C>CT]TAAGACCAGTGAAAAGAAAGACAGCAAAGAGAGCAGTGTTGTGAAGAACGTGGTGGACTC-3'